The following is an entry in ClinVar:

ClinVar aggregate classification (germline): Conflicting classifications of pathogenicity. Review status: criteria provided, conflicting classifications (1 of 4 stars). 5 submissions from 5 submitters: Uncertain significance (1); Likely benign (4). Last evaluated 2026-01-25.

Conditions:
Hereditary cancer-predisposing syndrome. Also called: Neoplastic Syndromes, Hereditary; Hereditary Cancer Syndrome; Hereditary neoplastic syndrome; Tumor predisposition. Identifiers: Orphanet 140162, MedGen C0027672, MeSH D009386, MONDO:0015356.
Cardiovascular phenotype. Identifiers: MedGen CN230736.
Neurofibromatosis, type 1 (NF1). Also called: VON RECKLINGHAUSEN DISEASE; Peripheral type neurofibromatosis; NEUROFIBROMATOSIS, TYPE I, SOMATIC; Neurofibromatosis, type I. Identifiers: Orphanet 636, MedGen C0027831, MONDO:0018975, OMIM 162200. Disease mechanism: loss of function.

Allele frequency attached by ClinVar (database versions not stated): gnomAD 0.00001; gnomAD exomes 0.00002 and 0.00005; TOPMed 0.00002; ExAC 0.00004.
gnomAD v4.1: 28 of 1,578,872 alleles (0.0018%); highest among the groups gnomAD compares: Admixed American, 0.0033%; no homozygotes.

Submissions (5):

Labcorp Genetics (formerly Invitae), Labcorp
Classification: Likely benign for Neurofibromatosis, type 1. Last evaluated: 2026-01-25. Review status: criteria provided, single submitter. Criteria: Invitae Variant Classification Sherloc (09022015). Collection method: clinical testing. Allele origin: germline.

Institute for Biomarker Research, Medical Diagnostic Laboratories, L.L.C.
Classification: Likely benign for Hereditary cancer-predisposing syndrome. Last evaluated: 2025-09-22. Review status: criteria provided, single submitter. Criteria: ACMG Guidelines, 2015. Collection method: clinical testing. Allele origin: germline.
Comment: The splice region variant NM_000267.3(NF1):c.6756+4C>T has not been reported previously as a pathogenic variant, to our knowledge. The c.6756+4C>T variant is observed in 9/10,080 (0.0893%) alleles from individuals of gnomAD Ashkenazi Jewish background in gnomAD, which is greater than expected for the disorder. The c.6756+4C>T variant is not predicted to disrupt the existing donor splice site 2bp upstream by any splice site algorithm. The c.6756+4C>T variant results in a substitution of a base that is not predicted conserved by GERP++ and PhyloP. For these reasons, this variant has been classified as Likely Benign.

Blueprint Genetics
Classification: Likely benign. Last evaluated: 2024-06-14. Review status: criteria provided, single submitter. Criteria: ACMG Guidelines, 2015. Collection method: clinical testing. Allele origin: germline.

GeneDx
Classification: Uncertain significance. Last evaluated: 2020-10-23. Review status: criteria provided, single submitter. Criteria: GeneDx Variant Classification Process June 2021. Collection method: clinical testing. Allele origin: germline. Affected: yes.
Comment: To our knowledge, this variant has only been published in conjunction with an adjacent base change, c.6756+3A>G, in which case the combined variant co-segregated with suspected NF1 (Griffiths, et a., 2007).; In-silico analysis, which includes splice predictors and evolutionary conservation, is inconclusive as to whether the variant alters gene splicing. In the absence of RNA/functional studies, the actual effect of this sequence change is unknown.; This variant is associated with the following publications: (PMID: 16944272)

Ambry Genetics
Classification: Likely benign for Cardiovascular phenotype; Hereditary cancer-predisposing syndrome. Last evaluated: 2018-10-30. Review status: criteria provided, single submitter. Criteria: Ambry Variant Classification Scheme 2023. Collection method: clinical testing. Allele origin: germline.

NM_001042492.3(NF1):c.6819+4C>T

Gene: NF1 (neurofibromin 1; plus strand). Cytogenetic location: 17q11.2.
Variant type: single nucleotide variant.
Coding change: c.6819+4C>T on transcript NM_001042492.3 (MANE Select); 4 bases into the intron after coding-DNA position 6819, C replaced by T.
Molecular consequence: intron variant.
Genome position (GRCh38, 1-based): chr17:31,338,143, C>T. VCF-style: chr17-31338143-C-T. GRCh37 (hg19) VCF-style: chr17-29665161-C-T.
Other names: c.6756+4C>T (NM_000267.4).
Identifiers: ClinVar variation 457806 (VCV000457806.56), dbSNP rs755135948, ClinGen allele CA8487428.